The following is an entry in ClinVar:

ClinVar aggregate classification (germline): Benign/Likely benign. Review status: criteria provided, multiple submitters, no conflicts (2 of 4 stars). 2 submissions from 2 submitters: Benign (1); Likely benign (1). Last evaluated 2024-11-12.

Conditions:
Hereditary cancer-predisposing syndrome. Also called: Tumor predisposition; Neoplastic Syndromes, Hereditary; Hereditary Cancer Syndrome; Hereditary neoplastic syndrome. Identifiers: Orphanet 140162, MedGen C0027672, MeSH D009386, MONDO:0015356.
Papillary renal cell carcinoma type 1 (RCCP1). Also called: RENAL CELL CARCINOMA, PAPILLARY, 1, SOMATIC; Renal adenocarcinoma; Renal cell carcinoma 1; Renal cell carcinoma, somatic. Identifiers: Orphanet 47044, MedGen C1336839, OMIM 605074, HP:0011797.

Submissions (2):

Myriad Genetics, Inc.
Classification: Benign for Papillary renal cell carcinoma type 1. Last evaluated: 2024-11-12. Review status: criteria provided, single submitter. Criteria: Myriad Autosomal Dominant, Autosomal Recessive and X-Linked Classification Criteria (2023). Collection method: clinical testing. Allele origin: unknown.
Comment: This variant is considered benign. This variant is a silent/synonymous amino acid change and it is not expected to impact splicing.

Ambry Genetics
Classification: Likely benign for Hereditary cancer-predisposing syndrome. Last evaluated: 2021-12-29. Review status: criteria provided, single submitter. Criteria: Ambry Variant Classification Scheme 2023. Collection method: clinical testing. Allele origin: germline.

NM_000245.4(MET):c.3063C>T (p.Cys1021=)

Gene: MET (MET proto-oncogene, receptor tyrosine kinase; plus strand). Cytogenetic location: 7q31.2.
Variant type: single nucleotide variant.
Coding change: c.3063C>T on transcript NM_000245.4 (MANE Select); coding-DNA position 3063, C replaced by T.
Protein change: p.Cys1021=; no amino-acid change (cysteine 1021 retained).
Molecular consequence: synonymous variant.
Genome position (GRCh38, 1-based): chr7:116,774,915, C>T. VCF-style: chr7-116774915-C-T. GRCh37 (hg19) VCF-style: chr7-116414969-C-T.
Other names: c.3117C>T, p.Cys1039= (NM_001127500.3); c.1773C>T, p.Cys591= (NM_001324402.2).
Identifiers: ClinVar variation 1727813 (VCV001727813.3), dbSNP rs2117029872, ClinGen allele CA457218347.